The following is an entry in ClinVar:

NM_004415.4(DSP):c.192del (p.Arg64fs)

Gene: DSP (desmoplakin; plus strand). Cytogenetic location: 6p24.3.
Variant type: Deletion.
Coding change: c.192del on transcript NM_004415.4 (MANE Select); coding-DNA position 192, one base deleted (G; older notation c.192delG).
Protein change: p.Arg64fs; shifts the reading frame from arginine 64.
Molecular consequence: frameshift variant.
Genome position (GRCh38, 1-based): chr6:7,555,739, G deleted; the last of 2 consecutive G bases (chr6:7,555,738-7,555,739); deleting either gives the same sequence. VCF-style (leftmost placement, unchanged base first): chr6-7555737-AG-A. GRCh37 (hg19) VCF-style: chr6-7555970-AG-A.
Other names: c.192del, p.Arg64fs (NM_001008844.3, NM_001319034.2, NM_001406591.1); short protein forms R64fs.
Identifiers: ClinVar variation 4245121 (VCV004245121.1).

ClinVar aggregate classification (germline): Pathogenic (1 of 4 stars; one submission).

Conditions:
Cardiovascular phenotype. Identifiers: MedGen CN230736.

Submission:

Ambry Genetics
Classification: Pathogenic for Cardiovascular phenotype. Last evaluated: 2025-09-08. Review status: criteria provided, single submitter. Criteria: Ambry Variant Classification Scheme 2023. Collection method: clinical testing. Allele origin: germline.
Comment: The c.192delG pathogenic mutation, located in coding exon 2 of the DSP gene, results from a deletion of one nucleotide at nucleotide position 192, causing a translational frameshift with a predicted alternate stop codon (p.R64Sfs*19). This variant was reported in individual(s) with personal features and family history consistent with DSP-related cardiomyopathy (Ambry internal data). This variant is considered to be rare based on population cohorts in the Genome Aggregation Database (gnomAD). This alteration is expected to result in loss of function by premature protein truncation or nonsense-mediated mRNA decay. As such, this alteration is interpreted as a disease-causing mutation.